The following is an entry in ClinVar:

NM_002474.3(MYH11):c.1182A>T (p.Arg394Ser)

Gene: MYH11 (myosin heavy chain 11; minus strand). Cytogenetic location: 16p13.11.
Variant type: single nucleotide variant.
Coding change: c.1182A>T on transcript NM_002474.3 (MANE Select); coding-DNA position 1182, A replaced by T.
Protein change: p.Arg394Ser; replaces arginine 394 with serine.
Molecular consequence: missense variant.
Genome position (GRCh38, 1-based): chr16:15,760,606, T>A on the plus strand (A>T on the coding strand, the complement: MYH11 is on the minus strand). VCF-style: chr16-15760606-T-A. GRCh37 (hg19) VCF-style: chr16-15854463-T-A.
Other names: c.1203A>T, p.Arg401Ser (NM_001040113.2, NM_001040114.2); c.1182A>T, p.Arg394Ser (NM_022844.3); short protein forms R401S, R394S.
Identifiers: ClinVar variation 3297363 (VCV003297363.1).

ClinVar aggregate classification (germline): Uncertain significance (1 of 4 stars; one submission).

Conditions:
Familial thoracic aortic aneurysm and aortic dissection (TAAD). Also called: Thoracic aortic aneurysms and dissections. Identifiers: Orphanet 91387, MedGen C4707243, MONDO:0019625.

gnomAD v4.1: 2 of 1,614,192 alleles (0.00012%); highest among the groups gnomAD compares: Non-Finnish European, 0.00017%; no homozygotes.

Submission:

Ambry Genetics
Classification: Uncertain significance for Familial thoracic aortic aneurysm and aortic dissection. Last evaluated: 2024-05-11. Review status: criteria provided, single submitter. Criteria: Ambry Variant Classification Scheme 2023. Collection method: clinical testing. Allele origin: germline.
Comment: The p.R394S variant (also known as c.1182A>T), located in coding exon 10 of the MYH11 gene, results from an A to T substitution at nucleotide position 1182. The arginine at codon 394 is replaced by serine, an amino acid with dissimilar properties. This amino acid position is conserved. In addition, the in silico prediction for this alteration is inconclusive. Based on the available evidence, the clinical significance of this variant remains unclear.